The following is an entry in ClinVar:

ClinVar aggregate classification (germline): Likely benign (1 of 4 stars; one submission).

Allele frequency attached by ClinVar (database versions not stated): gnomAD 0.00001; TOPMed 0.00003; ExAC 0.00004; 1000 Genomes Project 30x 0.00016; 1000 Genomes Project 0.00020.
gnomAD v4.1: 9 of 1,614,186 alleles (0.00056%); highest among the groups gnomAD compares: East Asian, 0.016%; no homozygotes.

Submission:

CeGaT Center for Human Genetics Tuebingen
Classification: Likely benign. Last evaluated: 2023-12-01. Review status: criteria provided, single submitter. Criteria: CeGaT Center For Human Genetics Tuebingen Variant Classification Criteria Version 2. Collection method: clinical testing. Allele origin: germline. Affected: yes. Observed: 1 variant allele.
Comment: ANKRD11: BP4, BP7

NM_013275.6(ANKRD11):c.4161G>A (p.Lys1387=)

Gene: ANKRD11 (ankyrin repeat domain 11; minus strand). Cytogenetic location: 16q24.3.
Variant type: single nucleotide variant.
Coding change: c.4161G>A on transcript NM_013275.6 (MANE Select); coding-DNA position 4161, G replaced by A.
Protein change: p.Lys1387=; no amino-acid change (lysine 1387 retained).
Molecular consequence: synonymous variant.
Genome position (GRCh38, 1-based): chr16:89,282,381, C>T on the plus strand (G>A on the coding strand, the complement: ANKRD11 is on the minus strand). VCF-style: chr16-89282381-C-T. GRCh37 (hg19) VCF-style: chr16-89348789-C-T.
Other names: c.4161G>A, p.Lys1387= (NM_001256182.2, NM_001256183.2).
Identifiers: ClinVar variation 3026691 (VCV003026691.22), dbSNP rs529279936, ClinGen allele CA8242198.